The following is an entry in ClinVar:

NM_000038.6(APC):c.5276C>T (p.Ala1759Val)

Gene: APC (APC regulator of Wnt signaling pathway; plus strand). Cytogenetic location: 5q22.2.
Variant type: single nucleotide variant.
Coding change: c.5276C>T on transcript NM_000038.6 (MANE Select); coding-DNA position 5276, C replaced by T.
Protein change: p.Ala1759Val; replaces alanine 1759 with valine.
Molecular consequence: missense variant.
Genome position (GRCh38, 1-based): chr5:112,840,870, C>T. VCF-style: chr5-112840870-C-T. GRCh37 (hg19) VCF-style: chr5-112176567-C-T.
Other names: c.5276C>T, p.Ala1759Val (NM_001127510.3, NM_001354895.2); c.5222C>T, p.Ala1741Val (NM_001127511.3); c.5330C>T, p.Ala1777Val (NM_001354896.2); c.5306C>T, p.Ala1769Val (NM_001354897.2); c.5201C>T, p.Ala1734Val (NM_001354898.2); c.5192C>T, p.Ala1731Val (NM_001354899.2); c.5153C>T, p.Ala1718Val (NM_001354900.2); c.5099C>T, p.Ala1700Val (NM_001354901.2); and 5 more; short protein forms A1476V, A1700V, A1718V, A1759V, A1777V, A1599V, A1734V, A1741V.
Identifiers: ClinVar variation 921024 (VCV000921024.17), dbSNP rs1765908360, ClinGen allele CA16032865.

ClinVar aggregate classification (germline): Uncertain significance. Review status: criteria provided, multiple submitters, no conflicts (2 of 4 stars). 4 submissions from 4 submitters: Uncertain significance (4). Last evaluated 2024-07-20.

Conditions:
Hereditary cancer-predisposing syndrome. Also called: Neoplastic Syndromes, Hereditary; Tumor predisposition; Hereditary Cancer Syndrome; Hereditary neoplastic syndrome. Identifiers: Orphanet 140162, MedGen C0027672, MeSH D009386, MONDO:0015356.
Familial adenomatous polyposis 1 (FAP1). Also called: FAMILIAL ADENOMATOUS POLYPOSIS 1, ATTENUATED; POLYPOSIS, ADENOMATOUS INTESTINAL. Identifiers: MedGen C2713442, MONDO:0021056, OMIM 175100. Disease mechanism: loss of function.
Classic or attenuated familial adenomatous polyposis. Identifiers: MedGen CN372698, MONDO:0021057.

Allele frequency attached by ClinVar (database versions not stated): gnomAD exomes below 0.00001.
gnomAD v4.1: 1 of 1,613,982 alleles (0.000062%); highest among the groups gnomAD compares: Non-Finnish European, 0.000085%; no homozygotes.

Submissions (4):

All of Us Research Program, National Institutes of Health
Classification: Uncertain significance for Classic or attenuated familial adenomatous polyposis. Last evaluated: 2024-07-20. Review status: criteria provided, single submitter. Criteria: ACMG Guidelines, 2015. Collection method: clinical testing. Allele origin: germline. Inheritance: Autosomal dominant inheritance. Observed: 2 variant alleles, 2 heterozygotes.
Comment: This missense variant replaces alanine with valine at codon 1759 of the APC protein. Computational prediction suggests that this variant may not impact protein structure and function (internally defined REVEL score threshold <= 0.5, PMID: 27666373). To our knowledge, functional studies have not been reported for this variant. This variant has not been reported in individuals affected with APC-related disorders in the literature. This variant has not been identified in the general population by the Genome Aggregation Database (gnomAD). The available evidence is insufficient to determine the role of this variant in disease conclusively. Therefore, this variant is classified as a Variant of Uncertain Significance.

This study involves interpretation of variants in research participants for the purpose of population health screening. Participant phenotype was not available at the time of variant classification. Additional details can be found in publication PMID: 35346344, PMCID: PMC8962531

Labcorp Genetics (formerly Invitae), Labcorp
Classification: Uncertain significance for Familial adenomatous polyposis 1. Last evaluated: 2024-04-22. Review status: criteria provided, single submitter. Criteria: Invitae Variant Classification Sherloc (09022015). Collection method: clinical testing. Allele origin: germline.
Comment: This sequence change replaces alanine, which is neutral and non-polar, with valine, which is neutral and non-polar, at codon 1759 of the APC protein (p.Ala1759Val). This variant is not present in population databases (gnomAD no frequency). This variant has not been reported in the literature in individuals affected with APC-related conditions. ClinVar contains an entry for this variant (Variation ID: 921024). Advanced modeling of protein sequence and biophysical properties (such as structural, functional, and spatial information, amino acid conservation, physicochemical variation, residue mobility, and thermodynamic stability) performed at Invitae indicates that this missense variant is not expected to disrupt APC protein function with a negative predictive value of 95%. In summary, the available evidence is currently insufficient to determine the role of this variant in disease. Therefore, it has been classified as a Variant of Uncertain Significance.

Ambry Genetics
Classification: Uncertain significance for Hereditary cancer-predisposing syndrome. Last evaluated: 2024-03-08. Review status: criteria provided, single submitter. Criteria: Ambry Variant Classification Scheme 2023. Collection method: clinical testing. Allele origin: germline.
Comment: The p.A1759V variant (also known as c.5276C>T), located in coding exon 15 of the APC gene, results from a C to T substitution at nucleotide position 5276. The alanine at codon 1759 is replaced by valine, an amino acid with similar properties. This amino acid position is poorly conserved in available vertebrate species. In addition, in silico predictors for this gene do not accurately predict pathogenicity. Since supporting evidence is limited at this time, the clinical significance of this alteration remains unclear.

Color Diagnostics, LLC DBA Color Health
Classification: Uncertain significance for Hereditary cancer-predisposing syndrome. Last evaluated: 2023-12-05. Review status: criteria provided, single submitter. Criteria: ACMG Guidelines, 2015. Collection method: clinical testing. Allele origin: germline.
Comment: This missense variant replaces alanine with valine at codon 1759 of the APC protein. Computational prediction suggests that this variant may not impact protein structure and function (internally defined REVEL score threshold <= 0.5, PMID: 27666373). To our knowledge, functional studies have not been reported for this variant. This variant has not been reported in individuals affected with APC-related disorders in the literature. This variant has not been identified in the general population by the Genome Aggregation Database (gnomAD). The available evidence is insufficient to determine the role of this variant in disease conclusively. Therefore, this variant is classified as a Variant of Uncertain Significance.